The following is an entry in ClinVar:

ClinVar aggregate classification (germline): Likely benign. Review status: criteria provided, multiple submitters, no conflicts (2 of 4 stars). 3 submissions from 3 submitters: Likely benign (2). 1 of the submissions does not count toward it. Last evaluated 2026-05-30.

Conditions:
DMD-related disorder. Also called: DMD-related condition.

Allele frequency attached by ClinVar (database versions not stated): 1000 Genomes Project 0.00026; 1000 Genomes Project 30x 0.00062; TOPMed 0.00085; gnomAD 0.00096.
gnomAD v4.1: 107 of 111,706 alleles (0.096%); highest among the groups gnomAD compares: Non-Finnish European, 0.18%; no homozygotes.

Submissions (3):

Women's Health and Genetics/Laboratory Corporation of America, LabCorp
Classification: Likely benign. Last evaluated: 2026-05-30. Review status: criteria provided, single submitter. Criteria: LabCorp Variant Classification Summary - May 2015. Collection method: clinical testing. Allele origin: germline.

Blueprint Genetics
Classification: Likely benign. Last evaluated: 2024-11-08. Review status: criteria provided, single submitter. Criteria: ACMG Guidelines, 2015. Collection method: clinical testing. Allele origin: germline.

PreventionGenetics, part of Exact Sciences
Classification: Likely benign for DMD-related condition. Last evaluated: 2023-06-20. Review status: no assertion criteria provided. Collection method: clinical testing. Allele origin: germline. Not counted in ClinVar's aggregate classification.
Comment: This variant is classified as likely benign based on ACMG/AMP sequence variant interpretation guidelines (Richards et al. 2015 PMID: 25741868, with internal and published modifications).

NM_004006.3(DMD):c.961-5922A>G

Gene: DMD (dystrophin; minus strand). Cytogenetic location: Xp21.1.
Variant type: single nucleotide variant.
Coding change: c.961-5922A>G on transcript NM_004006.3 (MANE Select); 5922 bases into the intron before coding-DNA position 961, A replaced by G.
Molecular consequence: intron variant.
Genome position (GRCh38, 1-based): chrX:32,651,074, T>C on the plus strand (A>G on the coding strand, the complement: DMD is on the minus strand). VCF-style: chrX-32651074-T-C. GRCh37 (hg19) VCF-style: chrX-32669191-T-C.
Other names: c.937-5922A>G (NM_000109.4); c.949-5922A>G (NM_004009.3); c.592-5922A>G (NM_004010.3).
Identifiers: ClinVar variation 3045670 (VCV003045670.4), dbSNP rs781546846, ClinGen allele CA328545617.
Genomic context (GRCh38, chrX:32,651,074, plus strand): 5'-GGGACTTAAAACCAGGTTGTTTGGATTCCAAAACACGTCTTTATCCCAATATGATCAATC[T>C]CTTTAAATGAAGAAAATGAATTAAGAGTCTAAGCAACAGCACTTTTAAAAAAATATAATA-3'